The following is an entry in ClinVar:

NM_006514.4(SCN10A):c.5613G>A (p.Met1871Ile)

Gene: SCN10A (sodium voltage-gated channel alpha subunit 10; minus strand). Cytogenetic location: 3p22.2.
Variant type: single nucleotide variant.
Coding change: c.5613G>A on transcript NM_006514.4 (MANE Select); coding-DNA position 5613, G replaced by A.
Protein change: p.Met1871Ile; replaces methionine 1871 with isoleucine.
Molecular consequence: missense variant.
Genome position (GRCh38, 1-based): chr3:38,697,607, C>T on the plus strand (G>A on the coding strand, the complement: SCN10A is on the minus strand). VCF-style: chr3-38697607-C-T. GRCh37 (hg19) VCF-style: chr3-38739098-C-T.
Other names: c.5610G>A, p.Met1870Ile (NM_001293306.2); c.5319G>A, p.Met1773Ile (NM_001293307.2); c.5613G>A (NM_006514.2); short protein forms M1773I, M1871I, M1870I.
Identifiers: ClinVar variation 849172 (VCV000849172.6), dbSNP rs370483003, ClinGen allele CA2319639.

ClinVar aggregate classification (germline): Conflicting classifications of pathogenicity. Review status: criteria provided, conflicting classifications (1 of 4 stars). 3 submissions from 3 submitters: Uncertain significance (2); Likely benign (1). Last evaluated 2023-03-16.

Conditions:
Brugada syndrome. Also called: Sudden unexpected nocturnal death syndrome; Sudden Unexplained Death Syndrome; Sudden Unexplained Nocturnal Death Syndrome (SUNDS); Sudden unexplained nocturnal death syndrome. Identifiers: Orphanet 130, MedGen C1142166, MONDO:0015263.
Cardiovascular phenotype. Identifiers: MedGen CN230736.

Allele frequency attached by ClinVar (database versions not stated): TOPMed below 0.00001; gnomAD 0.00001; gnomAD exomes 0.00001; ExAC 0.00003; ESP Exome Variant Server 0.00008.

Submissions (3):

Ambry Genetics
Classification: Uncertain significance for Cardiovascular phenotype. Last evaluated: 2023-03-16. Review status: criteria provided, single submitter. Criteria: Ambry Variant Classification Scheme 2023. Collection method: clinical testing. Allele origin: germline.
Comment: The p.M1871I variant (also known as c.5613G>A), located in coding exon 27 of the SCN10A gene, results from a G to A substitution at nucleotide position 5613. The methionine at codon 1871 is replaced by isoleucine, an amino acid with highly similar properties. This amino acid position is conserved. In addition, this alteration is predicted to be tolerated by in silico analysis. Since supporting evidence is limited at this time, the clinical significance of this alteration remains unclear.

Labcorp Genetics (formerly Invitae), Labcorp
Classification: Uncertain significance for Brugada syndrome. Last evaluated: 2021-09-01. Review status: criteria provided, single submitter. Criteria: Invitae Variant Classification Sherloc (09022015). Collection method: clinical testing. Allele origin: germline.
Comment: This sequence change replaces methionine with isoleucine at codon 1871 of the SCN10A protein (p.Met1871Ile). The methionine residue is weakly conserved and there is a small physicochemical difference between methionine and isoleucine. This variant is present in population databases (rs370483003, ExAC 0.006%). This variant has not been reported in the literature in individuals affected with SCN10A-related conditions. Algorithms developed to predict the effect of missense changes on protein structure and function output the following: SIFT: "Tolerated"; PolyPhen-2: "Benign"; Align-GVGD: "Class C0". The isoleucine amino acid residue is found in multiple mammalian species, which suggests that this missense change does not adversely affect protein function. Algorithms developed to predict the effect of sequence changes on RNA splicing suggest that this variant may create or strengthen a splice site. In summary, the available evidence is currently insufficient to determine the role of this variant in disease. Therefore, it has been classified as a Variant of Uncertain Significance.

Blueprint Genetics
Classification: Likely benign. Last evaluated: 2020-01-15. Review status: criteria provided, single submitter. Criteria: ACMG Guidelines, 2015. Collection method: clinical testing. Allele origin: germline.